The following is an entry in ClinVar:

NM_001374259.2(IL12RB2):c.2305G>C (p.Val769Leu)

Gene: IL12RB2 (interleukin 12 receptor subunit beta 2; plus strand). Cytogenetic location: 1p31.3.
Variant type: single nucleotide variant.
Coding change: c.2305G>C on transcript NM_001374259.2 (MANE Select); coding-DNA position 2305, G replaced by C.
Protein change: p.Val769Leu; replaces valine 769 with leucine.
Molecular consequence: missense variant. On other transcripts: 3 prime UTR variant (3), non-coding transcript variant (2).
Genome position (GRCh38, 1-based): chr1:67,395,805, G>C. VCF-style: chr1-67395805-G-C. GRCh37 (hg19) VCF-style: chr1-67861488-G-C.
Other names: c.*225G>C (NM_001258214.1, NM_001319233.1); c.2047G>C, p.Val683Leu (NM_001258215.1); c.*206G>C (NM_001258216.1); c.2305G>C, p.Val769Leu (NM_001559.3); short protein forms V683L, V769L.
Identifiers: ClinVar variation 2083801 (VCV002083801.4), dbSNP rs1163733123, ClinGen allele CA340735318.

ClinVar aggregate classification (germline): Uncertain significance (1 of 4 stars; one submission).

Allele frequency attached by ClinVar (database versions not stated): gnomAD 0.00001; TOPMed 0.00001.
gnomAD v4.1: 7 of 1,613,430 alleles (0.00043%); highest among the groups gnomAD compares: Non-Finnish European, 0.00059%; no homozygotes.

Submission:

Labcorp Genetics (formerly Invitae), Labcorp
Classification: Uncertain significance. Last evaluated: 2025-05-21. Review status: criteria provided, single submitter. Criteria: Invitae Variant Classification Sherloc (09022015). Collection method: clinical testing. Allele origin: germline.
Comment: This sequence change replaces valine, which is neutral and non-polar, with leucine, which is neutral and non-polar, at codon 769 of the IL12RB2 protein (p.Val769Leu). This variant is present in population databases (no rsID available, gnomAD 0.007%). This variant has not been reported in the literature in individuals affected with IL12RB2-related conditions. ClinVar contains an entry for this variant (Variation ID: 2083801). An algorithm developed to predict the effect of missense changes on protein structure and function (PolyPhen-2) suggests that this variant is likely to be tolerated. In summary, the available evidence is currently insufficient to determine the role of this variant in disease. Therefore, it has been classified as a Variant of Uncertain Significance.